The following is an entry in ClinVar:

NM_001378418.1(TCF20):c.3393_3394del (p.Arg1131fs)

Gene: TCF20 (transcription factor 20; minus strand). Cytogenetic location: 22q13.2.
Variant type: Microsatellite.
Coding change: c.3393_3394del on transcript NM_001378418.1 (MANE Select); coding-DNA positions 3393 to 3394, 2 bases deleted (AG; older notation c.3393_3394delAG).
Protein change: p.Arg1131fs; shifts the reading frame from arginine 1131.
Molecular consequence: frameshift variant.
Genome position (GRCh38, 1-based): chr22:42,211,912-42,211,913, CT deleted on the plus strand (AG on the coding strand, the reverse complement: TCF20 is on the minus strand); deleting any 2 consecutive bases within chr22:42,211,912-42,211,915 gives the same sequence; the c. name uses the placement nearest the transcript's 3' end. VCF-style (leftmost placement, unchanged base first): chr22-42211911-ACT-A. GRCh37 (hg19) VCF-style: chr22-42607917-ACT-A.
Other names: c.3393_3394del, p.Arg1131fs (NM_005650.4, NM_181492.3); short protein forms R1131fs.
Identifiers: ClinVar variation 4763724 (VCV004763724.1).

ClinVar aggregate classification (germline): Pathogenic (1 of 4 stars; one submission).

Submission:

Labcorp Genetics (formerly Invitae), Labcorp
Classification: Pathogenic. Last evaluated: 2025-03-09. Review status: criteria provided, single submitter. Criteria: Invitae Variant Classification Sherloc (09022015). Collection method: clinical testing. Allele origin: germline.
Comment: This sequence change creates a premature translational stop signal (p.Arg1131Serfs*8) in the TCF20 gene. It is expected to result in an absent or disrupted protein product. Loss-of-function variants in TCF20 are known to be pathogenic (PMID: 30739909, 30819258). This variant is not present in population databases (gnomAD no frequency). This variant has not been reported in the literature in individuals affected with TCF20-related conditions. For these reasons, this variant has been classified as Pathogenic.

Literature cited by the submitters: PubMed 30739909; PubMed 30819258.